The following is an entry in ClinVar:

NM_001367823.1(ARHGEF18):c.1973C>T (p.Ala658Val)

Gene: ARHGEF18 (Rho/Rac guanine nucleotide exchange factor 18; plus strand). Cytogenetic location: 19p13.2.
Variant type: single nucleotide variant.
Coding change: c.1973C>T on transcript NM_001367823.1 (MANE Select); coding-DNA position 1973, C replaced by T.
Protein change: p.Ala658Val; replaces alanine 658 with valine.
Molecular consequence: missense variant.
Genome position (GRCh38, 1-based): chr19:7,453,584, C>T. VCF-style: chr19-7453584-C-T. GRCh37 (hg19) VCF-style: chr19-7518470-C-T.
Other names: c.1247C>T, p.Ala416Val (NM_001130955.2); c.935C>T, p.Ala312Val (NM_001367824.1, NM_015318.4); short protein forms A312V, A658V, A416V.
Identifiers: ClinVar variation 2086555 (VCV002086555.4), dbSNP rs142818148, ClinGen allele CA9136688.

ClinVar aggregate classification (germline): Uncertain significance (1 of 4 stars; one submission).

Allele frequency attached by ClinVar (database versions not stated): gnomAD 0.00001; ExAC 0.00002; TOPMed 0.00002; ESP Exome Variant Server 0.00008.
gnomAD v4.1: 1 of 1,613,884 alleles (0.000062%); highest among the groups gnomAD compares: African/African-American, 0.0013%; no homozygotes.

Submission:

Labcorp Genetics (formerly Invitae), Labcorp
Classification: Uncertain significance. Last evaluated: 2022-07-12. Review status: criteria provided, single submitter. Criteria: Invitae Variant Classification Sherloc (09022015). Collection method: clinical testing. Allele origin: germline.
Comment: In summary, the available evidence is currently insufficient to determine the role of this variant in disease. Therefore, it has been classified as a Variant of Uncertain Significance. Algorithms developed to predict the effect of missense changes on protein structure and function output the following: SIFT: "Tolerated"; PolyPhen-2: "Benign"; Align-GVGD: "Class C0". The valine amino acid residue is found in multiple mammalian species, which suggests that this missense change does not adversely affect protein function. This variant has not been reported in the literature in individuals affected with ARHGEF18-related conditions. This variant is present in population databases (rs142818148, gnomAD 0.0009%). This sequence change replaces alanine, which is neutral and non-polar, with valine, which is neutral and non-polar, at codon 470 of the ARHGEF18 protein (p.Ala470Val).